The following is an entry in ClinVar:

ClinVar aggregate classification (germline): Benign. Review status: criteria provided, single submitter (1 of 4 stars). 2 submissions from 2 submitters: Benign (1). 1 of the submissions does not count toward it. Last evaluated 2018-04-05.

Conditions:
ATP11A-related disorder. Also called: ATP11A-related condition.

Allele frequency attached by ClinVar (database versions not stated): gnomAD exomes 0.00043; ExAC 0.00059; 1000 Genomes Project 0.00060; 1000 Genomes Project 30x 0.00078; gnomAD 0.00089 and 0.00091; TOPMed 0.00103; ESP Exome Variant Server 0.00138.
gnomAD v4.1: 732 of 1,606,052 alleles (0.046%); highest among the groups gnomAD compares: African/African-American, 0.26%; no homozygotes.

Submissions (2):

Labcorp Genetics (formerly Invitae), Labcorp
Classification: Benign. Last evaluated: 2018-04-05. Review status: criteria provided, single submitter. Criteria: Invitae Variant Classification Sherloc (09022015). Collection method: clinical testing. Allele origin: germline.

PreventionGenetics, part of Exact Sciences
Classification: Likely benign for ATP11A-related condition. Last evaluated: 2024-09-23. Review status: no assertion criteria provided. Collection method: clinical testing. Allele origin: germline. Not counted in ClinVar's aggregate classification.
Comment: This variant is classified as likely benign based on ACMG/AMP sequence variant interpretation guidelines (Richards et al. 2015 PMID: 25741868, with internal and published modifications).

NM_015205.3(ATP11A):c.1559+10G>A

Gene: ATP11A (ATPase phospholipid transporting 11A; plus strand). Cytogenetic location: 13q34.
Variant type: single nucleotide variant.
Coding change: c.1559+10G>A on transcript NM_015205.3 (MANE Select); 10 bases into the intron after coding-DNA position 1559, G replaced by A.
Molecular consequence: intron variant.
Genome position (GRCh38, 1-based): chr13:112,833,033, G>A. VCF-style: chr13-112833033-G-A. GRCh37 (hg19) VCF-style: chr13-113487347-G-A.
Other names: c.1559+10G>A (NM_032189.4).
Identifiers: ClinVar variation 708990 (VCV000708990.4), dbSNP rs188926192, ClinGen allele CA7056827.